The following is an entry in ClinVar:

NM_144573.4(NEXN):c.856C>T (p.Arg286Trp)

Gene: NEXN (nexilin F-actin binding protein; plus strand). Cytogenetic location: 1p31.1.
Variant type: single nucleotide variant.
Coding change: c.856C>T on transcript NM_144573.4 (MANE Select); coding-DNA position 856, C replaced by T.
Protein change: p.Arg286Trp; replaces arginine 286 with tryptophan.
Molecular consequence: missense variant.
Genome position (GRCh38, 1-based): chr1:77,926,884, C>T. VCF-style: chr1-77926884-C-T. GRCh37 (hg19) VCF-style: chr1-78392569-C-T.
Other names: p.R286W:CGG>TGG; c.664C>T, p.Arg222Trp (NM_001172309.2); short protein forms R286W, R222W.
Identifiers: ClinVar variation 201919 (VCV000201919.62), dbSNP rs199917913, ClinGen allele CA335397.

ClinVar aggregate classification (germline): Conflicting classifications of pathogenicity. Review status: criteria provided, conflicting classifications (1 of 4 stars). 7 submissions from 7 submitters: Uncertain significance (2); Benign (1); Likely benign (4). Last evaluated 2026-01-27.

Conditions:
NEXN-related disorder. Also called: NEXN-related condition; NEXN-related disorders.
Cardiovascular phenotype. Identifiers: MedGen CN230736.
Hypertrophic cardiomyopathy 20. Identifiers: MedGen C3151267, MONDO:0013477, OMIM 613876.
Dilated cardiomyopathy 1CC (CMD1CC). Identifiers: Orphanet 154, MedGen C2751084, MONDO:0013147, OMIM 613122.
Cardiomyopathy (CMYO). Also called: Cardiomyopathies. Identifiers: Orphanet 167848, MedGen C0878544, MONDO:0004994, HP:0001638. Inheritance: Various modes of inheritance.
Primary familial hypertrophic cardiomyopathy (HCM). Identifiers: Orphanet 99739, MedGen C0949658, MeSH D024741, MONDO:0024573. Inheritance: Various modes of inheritance.

Allele frequency attached by ClinVar (database versions not stated): gnomAD exomes 0.00007 and 0.00013; gnomAD 0.00009; ExAC 0.00010; TOPMed 0.00010; ESP Exome Variant Server 0.00017.
gnomAD v4.1: 129 of 1,613,526 alleles (0.008%); highest among the groups gnomAD compares: African/African-American, 0.0053%; no homozygotes.

Submissions (8):

Labcorp Genetics (formerly Invitae), Labcorp
Classification: Likely benign for Dilated cardiomyopathy 1CC; Hypertrophic cardiomyopathy 20. Last evaluated: 2026-01-27. Review status: criteria provided, single submitter. Criteria: Invitae Variant Classification Sherloc (09022015). Collection method: clinical testing. Allele origin: germline.

GeneDx
Classification: Uncertain significance. Last evaluated: 2025-12-04. Review status: criteria provided, single submitter. Criteria: GeneDx Variant Classification Process June 2021. Collection method: clinical testing. Allele origin: germline. Affected: yes.
Comment: Reported in an individual with left ventricular hypertrabeculation, although no additional clinical or segregation data were provided (PMID: 28798025); In silico analysis supports that this missense variant has a deleterious effect on protein structure/function; This variant is associated with the following publications: (PMID: 28798025)

PreventionGenetics, part of Exact Sciences
Classification: Likely benign for NEXN-related condition. Last evaluated: 2025-11-03. Review status: criteria provided, single submitter. Criteria: ACMG Guidelines, 2015. Collection method: clinical testing. Allele origin: germline.
Comment: This variant is classified as likely benign based on ACMG/AMP sequence variant interpretation guidelines (Richards et al. 2015 PMID: 25741868, with internal and published modifications).

Blueprint Genetics
Classification: Likely benign. Last evaluated: 2024-10-25. Review status: criteria provided, single submitter. Criteria: ACMG Guidelines, 2015. Collection method: clinical testing. Allele origin: germline.

CHEO Genetics Diagnostic Laboratory, Children's Hospital of Eastern Ontario
Classification: Benign for Cardiomyopathy. Last evaluated: 2018-09-14. Review status: criteria provided, single submitter. Criteria: ACMG Guidelines, 2015. Collection method: clinical testing. Allele origin: germline.

Ambry Genetics
Classification: Likely benign for Cardiovascular phenotype. Last evaluated: 2018-06-29. Review status: criteria provided, single submitter. Criteria: Ambry Variant Classification Scheme 2023. Collection method: clinical testing. Allele origin: germline.

Molecular Diagnostic Laboratory for Inherited Cardiovascular Disease, Montreal Heart Institute
Classification: Uncertain significance for Primary familial hypertrophic cardiomyopathy. Last evaluated: 2016-08-31. Review status: criteria provided, single submitter. Criteria: ACMG Guidelines, 2015. Collection method: clinical testing. Allele origin: germline. Affected: yes.

Dr. Peter K. Rogan Lab, Western University
No classification provided (evidence only). Condition: Ovarian serous cystadenocarcinoma. Review status: no classification provided. Collection method: in vitro. Allele origin: not applicable. Functional consequence: retained intron. Not counted in ClinVar's aggregate classification.

Literature cited by the submitters: PubMed 28798025 (cited by Ambry Genetics).